The following is an entry in ClinVar:

ClinVar aggregate classification (germline): Conflicting classifications of pathogenicity. Review status: criteria provided, conflicting classifications (1 of 4 stars). 8 submissions from 8 submitters: Uncertain significance (6); Benign (1); Likely benign (1). Last evaluated 2026-02-04.

Conditions:
Inborn genetic diseases. Identifiers: MedGen C0950123, MeSH D030342.
Fibrochondrogenesis 2 (FBCG2). Identifiers: Orphanet 2021, MedGen C3281128, MONDO:0013795, OMIM 614524.
Otospondylomegaepiphyseal dysplasia, autosomal dominant (OSMEDA). Also called: COL11A2-Related Stickler Syndrome; Stickler syndrome, type 3; Pierre Robin syndrome with fetal chondrodysplasia. Identifiers: Orphanet 166100, Orphanet 3450, MedGen C1848488, MONDO:0008490, OMIM 184840.
Otospondylomegaepiphyseal dysplasia, autosomal recessive (OSMEDB). Also called: CHONDRODYSTROPHY WITH SENSORINEURAL DEAFNESS; Insley-Astley syndrome. Identifiers: Orphanet 1427, MedGen CN034493, MONDO:0044206, OMIM 215150.

Allele frequency attached by ClinVar (database versions not stated): TOPMed 0.00015; gnomAD 0.00019.
gnomAD v4.1: 354 of 1,559,998 alleles (0.023%); highest among the groups gnomAD compares: Non-Finnish European, 0.027%; no homozygotes.

Submissions (8):

Labcorp Genetics (formerly Invitae), Labcorp
Classification: Benign. Last evaluated: 2026-02-04. Review status: criteria provided, single submitter. Criteria: Invitae Variant Classification Sherloc (09022015). Collection method: clinical testing. Allele origin: germline.

GeneDx
Classification: Uncertain significance. Last evaluated: 2025-09-25. Review status: criteria provided, single submitter. Criteria: GeneDx Variant Classification Process June 2021. Collection method: clinical testing. Allele origin: germline. Affected: yes.
Comment: In silico analysis suggests that this missense variant does not alter protein structure/function; Reported in the heterozygous state an individual with Ehlers-Danlos syndrome in the published literature, however additional clinical information was not available (PMID: 38534782); This variant is associated with the following publications: (PMID: 38534782)

Ambry Genetics
Classification: Uncertain significance for Inborn genetic diseases. Last evaluated: 2025-07-18. Review status: criteria provided, single submitter. Criteria: Ambry Variant Classification Scheme 2023. Collection method: clinical testing. Allele origin: germline.

CeGaT Center for Human Genetics Tuebingen
Classification: Uncertain significance. Last evaluated: 2025-07-01. Review status: criteria provided, single submitter. Criteria: CeGaT Center For Human Genetics Tuebingen Variant Classification Criteria Version 2. Collection method: clinical testing. Allele origin: germline. Affected: yes. Observed: 2 variant alleles.
Comment: COL11A2: PM2

ARUP Laboratories, Molecular Genetics and Genomics, ARUP Laboratories
Classification: Uncertain significance. Last evaluated: 2025-05-15. Review status: criteria provided, single submitter. Criteria: ARUP Molecular Germline Variant Investigation Process 2024. Collection method: clinical testing. Allele origin: germline.
Comment: The COL11A2 c.4854C>G; p.Asp1618Glu variant (rs151319255), to our knowledge, is not reported in the medical literature but is reported in ClinVar (Variation ID: 282710). This variant is found in the general population with an overall allele frequency of 0.02% (41/202624 alleles) in the Genome Aggregation Database (v2.1.1). Computational analyses predict that this variant is neutral (REVEL: 0.126). Due to limited information, the clinical significance of this variant is uncertain at this time.

Women's Health and Genetics/Laboratory Corporation of America, LabCorp
Classification: Uncertain significance. Last evaluated: 2024-12-09. Review status: criteria provided, single submitter. Criteria: LabCorp Variant Classification Summary - May 2015. Collection method: clinical testing. Allele origin: germline.
Comment: Variant summary: COL11A2 c.4854C>G (p.Asp1618Glu) results in a conservative amino acid change in the encoded protein sequence. Five of five in-silico tools predict a benign effect of the variant on protein function. The variant allele was found at a frequency of 0.00023 in 1553064 control chromosomes in the gnomAD database (v4.1 dataset). This frequency is not significantly higher than estimated for a pathogenic variant in COL11A2 causing COL11A2-Related Disorders, allowing no conclusion about variant significance. To our knowledge, no occurrence of c.4854C>G in individuals affected with COL11A2-Related Disorders and no experimental evidence demonstrating its impact on protein function have been reported. ClinVar contains an entry for this variant (Variation ID: 282710). Based on the evidence outlined above, the variant was classified as uncertain significance.

Blueprint Genetics
Classification: Likely benign. Last evaluated: 2024-11-20. Review status: criteria provided, single submitter. Criteria: ACMG Guidelines, 2015. Collection method: clinical testing. Allele origin: germline.

Eurofins Ntd Llc (ga)
Classification: Uncertain significance. Last evaluated: 2015-09-15. Review status: criteria provided, single submitter. Criteria: EGL Classification Definitions 2015. Collection method: clinical testing. Allele origin: germline. Observed: 3 variant alleles, 3 heterozygotes.

NM_080680.3(COL11A2):c.4854C>G (p.Asp1618Glu)

Gene: COL11A2 (collagen type XI alpha 2 chain; minus strand). Cytogenetic location: 6p21.32.
Variant type: single nucleotide variant.
Coding change: c.4854C>G on transcript NM_080680.3 (MANE Select); coding-DNA position 4854, C replaced by G.
Protein change: p.Asp1618Glu; replaces aspartic acid 1618 with glutamic acid.
Molecular consequence: missense variant.
Genome position (GRCh38, 1-based): chr6:33,164,861, G>C on the plus strand (C>G on the coding strand, the complement: COL11A2 is on the minus strand). VCF-style: chr6-33164861-G-C. GRCh37 (hg19) VCF-style: chr6-33132638-G-C.
Other names: c.4533C>G, p.Asp1511Glu (NM_080679.3); c.4596C>G, p.Asp1532Glu (NM_080681.3); short protein forms D1618E, D1532E, D1511E.
Identifiers: ClinVar variation 282710 (VCV000282710.67), dbSNP rs151319255, ClinGen allele CA3749989.